The following is an entry in ClinVar:

NM_001127701.1(SERPINA1):c.415G>A (p.Gly139Ser)

Gene: SERPINA1 (serpin family A member 1; minus strand). Cytogenetic location: 14q32.13.
Variant type: single nucleotide variant.
Coding change: c.415G>A on transcript NM_001127701.1; coding-DNA position 415, G replaced by A.
Protein change: p.Gly139Ser; replaces glycine 139 with serine.
Molecular consequence: missense variant (on NM_000295.5).
Genome position (GRCh38, 1-based): chr14:94,382,823, C>T on the plus strand (G>A on the coding strand, the complement: SERPINA1 is on the minus strand). VCF-style: chr14-94382823-C-T. GRCh37 (hg19) VCF-style: chr14-94849160-C-T.
Other names: G115S; PI Q0(DEVON); PI NULL(NEWPORT); PI Q0(NEWPORT); c.415G>A, p.Gly139Ser (NM_000295.5, NM_001002235.3, NM_001002236.3 and 8 more transcripts); short protein forms G139S.
Identifiers: ClinVar variation 17986 (VCV000017986.4), dbSNP rs11558261, ClinGen allele CA127734.

ClinVar aggregate classification (germline): Uncertain significance. Review status: criteria provided, single submitter (1 of 4 stars). 6 submissions from 3 submitters: Uncertain significance (1). 5 of the submissions do not count toward it. Last evaluated 2024-10-14.

Conditions:
Alpha-1-antitrypsin deficiency (A1ATD). Also called: AAT deficiency; A1AT deficiency; Alpha1-Antitrypsin Deficiency. Identifiers: Orphanet 60, MedGen C0221757, MONDO:0013282, OMIM 613490.
PI Q0(DEVON).
PI NULL(NEWPORT).
PI Q0(NEWPORT).
PI NULL(DEVON).

Allele frequency attached by ClinVar (database versions not stated): gnomAD 0.00001 and 0.00003; TOPMed 0.00002; gnomAD exomes 0.00005 and 0.00009; ExAC 0.00010; 1000 Genomes Project 30x 0.00016; 1000 Genomes Project 0.00020.
gnomAD v4.1: 79 of 1,614,246 alleles (0.0049%); highest among the groups gnomAD compares: South Asian, 0.058%; no homozygotes.

Submissions (6):

Blueprint Genetics
Classification: Uncertain significance. Last evaluated: 2024-10-14. Review status: criteria provided, single submitter. Criteria: ACMG Guidelines, 2015. Collection method: clinical testing. Allele origin: germline.

OMIM
Classification: other for PI NULL(DEVON). Last evaluated: 2016-07-15. Review status: no assertion criteria provided. Collection method: literature only. Allele origin: germline. Not counted in ClinVar's aggregate classification.

OMIM
Classification: other for PI Q0(DEVON). Last evaluated: 2016-07-15. Review status: no assertion criteria provided. Collection method: literature only. Allele origin: germline. Not counted in ClinVar's aggregate classification.

OMIM
Classification: other for PI NULL(NEWPORT). Last evaluated: 2016-07-15. Review status: no assertion criteria provided. Collection method: literature only. Allele origin: germline. Not counted in ClinVar's aggregate classification.

OMIM
Classification: other for PI Q0(NEWPORT). Last evaluated: 2016-07-15. Review status: no assertion criteria provided. Collection method: literature only. Allele origin: germline. Not counted in ClinVar's aggregate classification.

Department of Laboratory Medicine and Genetics, Trillium Health Partners Credit Valley Hospital
Classification: Pathogenic for Alpha-1-antitrypsin deficiency. Last evaluated: 2014-12-08. Review status: no assertion criteria provided. Collection method: curation. Allele origin: germline. Affected: yes. Not counted in ClinVar's aggregate classification.
Comment: Reduced enzyme activity

Rare null allele

Literature cited by the submitters: PubMed 2185272 (cited by OMIM); PubMed 2394452 (cited by OMIM); PubMed 2227940 (cited by Department of Laboratory Medicine and Genetics, Trillium Health Partners Credit Valley Hospital).